The following is an entry in ClinVar:

NM_000533.5(PLP1):c.185T>A (p.Ile62Asn)

Genes: PLP1 (proteolipid protein 1; plus strand), RAB9B (RAB9B, member RAS oncogene family; minus strand). Cytogenetic location: Xq22.2.
Variant type: single nucleotide variant.
Coding change: c.185T>A on transcript NM_000533.5 (MANE Select); coding-DNA position 185, T replaced by A.
Protein change: p.Ile62Asn; replaces isoleucine 62 with asparagine.
Molecular consequence: missense variant.
Genome position (GRCh38, 1-based): chrX:103,785,762, T>A. VCF-style: chrX-103785762-T-A. GRCh37 (hg19) VCF-style: chrX-103040691-T-A.
Other names: c.185T>A, p.Ile62Asn (NM_001128834.3, NM_199478.3); c.20T>A, p.Ile7Asn (NM_001305004.1); short protein forms I62N, I7N.
Identifiers: ClinVar variation 3384449 (VCV003384449.1).
Genomic context (GRCh38, chrX:103,785,762, plus strand): 5'-GCACAGAAAAGCTAATTGAGACCTATTTCTCCAAAAACTACCAAGACTATGAGTATCTCA[T>A]CAATGTGTAAGTACCTGCCCTCCCACACAGACCCATCTTTTTTTTCCCTCTCTCCATCCT-3'
Protein context (NP_000524.3, residues 52-72): SKNYQDYEYL[Ile62Asn]NVIHAFQYVI

ClinVar aggregate classification (germline): Uncertain significance (1 of 4 stars; one submission).

Submission:

GeneDx
Classification: Uncertain significance. Last evaluated: 2024-05-29. Review status: criteria provided, single submitter. Criteria: GeneDx Variant Classification Process June 2021. Collection method: clinical testing. Allele origin: germline. Affected: yes.
Comment: Not observed at significant frequency in large population cohorts (gnomAD); Missense variants in this gene are a common cause of disease and they are underrepresented in the general population; In silico analysis indicates that this missense variant does not alter protein structure/function; Has not been previously published as pathogenic or benign to our knowledge